The following is an entry in ClinVar:

NM_000038.6(APC):c.2414G>T (p.Arg805Leu)

Gene: APC (APC regulator of Wnt signaling pathway; plus strand). Cytogenetic location: 5q22.2.
Variant type: single nucleotide variant.
Coding change: c.2414G>T on transcript NM_000038.6 (MANE Select); coding-DNA position 2414, G replaced by T.
Protein change: p.Arg805Leu; replaces arginine 805 with leucine.
Molecular consequence: missense variant.
Genome position (GRCh38, 1-based): chr5:112,838,008, G>T. VCF-style: chr5-112838008-G-T. GRCh37 (hg19) VCF-style: chr5-112173705-G-T.
Other names: c.2414G>T, p.Arg805Leu (NM_001127510.3, NM_001354895.2, NM_001407450.1); c.2360G>T, p.Arg787Leu (NM_001127511.3); c.2468G>T, p.Arg823Leu (NM_001354896.2, NM_001407447.1, NM_001407448.1 and 1 more transcripts); c.2444G>T, p.Arg815Leu (NM_001354897.2); c.2339G>T, p.Arg780Leu (NM_001354898.2); c.2330G>T, p.Arg777Leu (NM_001354899.2); c.2291G>T, p.Arg764Leu (NM_001354900.2); c.2237G>T, p.Arg746Leu (NM_001354901.2, NM_001407453.1); and 11 more; short protein forms R777L, R780L, R798L, R823L, R522L, R645L, R714L, R787L.
Identifiers: ClinVar variation 2115921 (VCV002115921.4), dbSNP rs200593940, ClinGen allele CA16026634.

ClinVar aggregate classification (germline): Uncertain significance (1 of 4 stars; one submission).

Conditions:
Familial adenomatous polyposis 1 (FAP1). Also called: FAMILIAL ADENOMATOUS POLYPOSIS 1, ATTENUATED; POLYPOSIS, ADENOMATOUS INTESTINAL. Identifiers: MedGen C2713442, MONDO:0021056, OMIM 175100. Disease mechanism: loss of function.

gnomAD v4.1: 1 of 1,614,008 alleles (0.000062%); highest among the groups gnomAD compares: East Asian, 0.0022%; no homozygotes.

Submission:

Labcorp Genetics (formerly Invitae), Labcorp
Classification: Uncertain significance for Familial adenomatous polyposis 1. Last evaluated: 2025-02-19. Review status: criteria provided, single submitter. Criteria: Invitae Variant Classification Sherloc (09022015). Collection method: clinical testing. Allele origin: germline.
Comment: This sequence change replaces arginine, which is basic and polar, with leucine, which is neutral and non-polar, at codon 805 of the APC protein (p.Arg805Leu). This variant is not present in population databases (gnomAD no frequency). This variant has not been reported in the literature in individuals affected with APC-related conditions. ClinVar contains an entry for this variant (Variation ID: 2115921). Invitae Evidence Modeling of protein sequence and biophysical properties (such as structural, functional, and spatial information, amino acid conservation, physicochemical variation, residue mobility, and thermodynamic stability) indicates that this missense variant is not expected to disrupt APC protein function with a negative predictive value of 95%. In summary, the available evidence is currently insufficient to determine the role of this variant in disease. Therefore, it has been classified as a Variant of Uncertain Significance.